The following is an entry in ClinVar:

ClinVar aggregate classification (germline): Uncertain significance. Review status: criteria provided, multiple submitters, no conflicts (2 of 4 stars). 2 submissions from 2 submitters: Uncertain significance (2). Last evaluated 2025-07-30.

Conditions:
Gorlin syndrome. Also called: Basal cell nevus syndrome; Nevoid Basal Cell Carcinoma Syndrome. Identifiers: Orphanet 377, MedGen C0004779, MONDO:0007187.
Medulloblastoma (MDB). Also called: Medulloblastoma, somatic; MEDULLOBLASTOMA PREDISPOSITION SYNDROME. Identifiers: Orphanet 616, MedGen C0025149, MeSH D008527, MONDO:0007959, OMIM 155255, HP:0002885.
Hereditary cancer-predisposing syndrome. Also called: Tumor predisposition; Neoplastic Syndromes, Hereditary; Hereditary Cancer Syndrome; Hereditary neoplastic syndrome. Identifiers: Orphanet 140162, MedGen C0027672, MeSH D009386, MONDO:0015356.

Allele frequency attached by ClinVar (database versions not stated): gnomAD exomes below 0.00001.
gnomAD v4.1: 1 of 1,613,626 alleles (0.000062%); highest among the groups gnomAD compares: South Asian, 0.0011%; no homozygotes.

Submissions (2):

Labcorp Genetics (formerly Invitae), Labcorp
Classification: Uncertain significance for Gorlin syndrome; Medulloblastoma. Last evaluated: 2025-07-30. Review status: criteria provided, single submitter. Criteria: Invitae Variant Classification Sherloc (09022015). Collection method: clinical testing. Allele origin: germline.
Comment: This sequence change replaces glutamine, which is neutral and polar, with arginine, which is basic and polar, at codon 296 of the SUFU protein (p.Gln296Arg). This variant is not present in population databases (gnomAD no frequency). This variant has not been reported in the literature in individuals affected with SUFU-related conditions. ClinVar contains an entry for this variant (Variation ID: 1058190). Invitae Evidence Modeling of protein sequence and biophysical properties (such as structural, functional, and spatial information, amino acid conservation, physicochemical variation, residue mobility, and thermodynamic stability) indicates that this missense variant is not expected to disrupt SUFU protein function with a negative predictive value of 80%. In summary, the available evidence is currently insufficient to determine the role of this variant in disease. Therefore, it has been classified as a Variant of Uncertain Significance.

Ambry Genetics
Classification: Uncertain significance for Hereditary cancer-predisposing syndrome. Last evaluated: 2025-04-02. Review status: criteria provided, single submitter. Criteria: Ambry Variant Classification Scheme 2023. Collection method: clinical testing. Allele origin: germline.
Comment: The p.Q296R variant (also known as c.887A>G), located in coding exon 7 of the SUFU gene, results from an A to G substitution at nucleotide position 887. The glutamine at codon 296 is replaced by arginine, an amino acid with highly similar properties. This amino acid position is highly conserved in available vertebrate species. In addition, the in silico prediction for this alteration is inconclusive. Based on the available evidence, the clinical significance of this variant remains unclear.

NM_016169.4(SUFU):c.887A>G (p.Gln296Arg)

Gene: SUFU (SUFU negative regulator of hedgehog signaling; plus strand). Cytogenetic location: 10q24.32.
Variant type: single nucleotide variant.
Coding change: c.887A>G on transcript NM_016169.4 (MANE Select); coding-DNA position 887, A replaced by G.
Protein change: p.Gln296Arg; replaces glutamine 296 with arginine.
Molecular consequence: missense variant.
Genome position (GRCh38, 1-based): chr10:102,597,270, A>G. VCF-style: chr10-102597270-A-G. GRCh37 (hg19) VCF-style: chr10-104357027-A-G.
Other names: c.887A>G, p.Gln296Arg (NM_001178133.2); c.887A>G (NM_016169.3); short protein forms Q296R.
Identifiers: ClinVar variation 1058190 (VCV001058190.12), dbSNP rs2135882221, ClinGen allele CA377910825.
Genomic context (GRCh38, chr10:102,597,270, plus strand): 5'-ATGACCTGAGCCGGCCCCCCGAGGATGACGAGGACAGCCGGAGCATCTGCATCGGCACAC[A>G]GCCCCGGCGACTCTCTGGCAAAGGTGGGAGCCATCACTCAGCATTCCACCAGCCTTCCTC-3'
Protein context (NP_057253.2, residues 286-306): EDSRSICIGT[Gln296Arg]PRRLSGKDTE